The following is an entry in ClinVar:

NM_203447.4(DOCK8):c.2729G>T (p.Gly910Val)

Gene: DOCK8 (dedicator of cytokinesis 8; plus strand). Cytogenetic location: 9p24.3.
Variant type: single nucleotide variant.
Coding change: c.2729G>T on transcript NM_203447.4 (MANE Select); coding-DNA position 2729, G replaced by T.
Protein change: p.Gly910Val; replaces glycine 910 with valine.
Molecular consequence: missense variant.
Genome position (GRCh38, 1-based): chr9:382,636, G>T. VCF-style: chr9-382636-G-T. GRCh37 (hg19) VCF-style: chr9-382636-G-T.
Other names: c.2525G>T, p.Gly842Val (NM_001190458.2, NM_001193536.2); short protein forms G842V, G910V.
Identifiers: ClinVar variation 952516 (VCV000952516.10), dbSNP rs749235748, ClinGen allele CA372765376.
Genomic context (GRCh38, chr9:382,636, plus strand): 5'-CTGTGAGTTCAAAGCTGCTGCAGGCCCGGGTGATGAGCAGCAGTAACCCAGACCTCGCGG[G>T]GACACACTCCGCAGCAGACGAGGAAGTGAAGAACATCATGTCTTCAAAGGTAGGAAAGAT-3'
Protein context (NP_982272.2, residues 900-920): VMSSSNPDLA[Gly910Val]THSAADEEVK

ClinVar aggregate classification (germline): Uncertain significance (1 of 4 stars; one submission).

Conditions:
Combined immunodeficiency due to DOCK8 deficiency (HIES2). Also called: HIES autosomal recessive; Hyper-IgE recurrent infection syndrome, autosomal recessive; HYPER-IgE SYNDROME 2, AUTOSOMAL RECESSIVE, WITH RECURRENT INFECTIONS; DOCK8 Deficiency; HYPER-IgE RECURRENT INFECTION SYNDROME 2, AUTOSOMAL RECESSIVE. Identifiers: Orphanet 217390, MedGen C4722305, MONDO:0009478, OMIM 243700.

Submission:

Labcorp Genetics (formerly Invitae), Labcorp
Classification: Uncertain significance for Combined immunodeficiency due to DOCK8 deficiency. Last evaluated: 2019-08-19. Review status: criteria provided, single submitter. Criteria: Invitae Variant Classification Sherloc (09022015). Collection method: clinical testing. Allele origin: germline.
Comment: In summary, the available evidence is currently insufficient to determine the role of this variant in disease. Therefore, it has been classified as a Variant of Uncertain Significance. Algorithms developed to predict the effect of sequence changes on RNA splicing suggest that this variant may create or strengthen a splice site, but this prediction has not been confirmed by published transcriptional studies. Algorithms developed to predict the effect of missense changes on protein structure and function (SIFT, PolyPhen-2, Align-GVGD) all suggest that this variant is likely to be tolerated, but these predictions have not been confirmed by published functional studies and their clinical significance is uncertain. This variant has not been reported in the literature in individuals with DOCK8-related conditions. This variant is not present in population databases (ExAC no frequency). This sequence change replaces glycine with valine at codon 910 of the DOCK8 protein (p.Gly910Val). The glycine residue is moderately conserved and there is a moderate physicochemical difference between glycine and valine.